The following is an entry in ClinVar:

NM_000271.5(NPC1):c.454T>A (p.Phe152Ile)

Gene: NPC1 (NPC intracellular cholesterol transporter 1; minus strand). Cytogenetic location: 18q11.2.
Variant type: single nucleotide variant.
Coding change: c.454T>A on transcript NM_000271.5 (MANE Select); coding-DNA position 454, T replaced by A.
Protein change: p.Phe152Ile; replaces phenylalanine 152 with isoleucine.
Molecular consequence: missense variant.
Genome position (GRCh38, 1-based): chr18:23,568,832, A>T on the plus strand (T>A on the coding strand, the complement: NPC1 is on the minus strand). VCF-style: chr18-23568832-A-T. GRCh37 (hg19) VCF-style: chr18-21148796-A-T.
Other names: short protein forms F152I.
Identifiers: ClinVar variation 2229051 (VCV002229051.2), dbSNP rs2511340670, ClinGen allele CA401784737.

ClinVar aggregate classification (germline): Uncertain significance (1 of 4 stars; one submission).

Conditions:
Inborn genetic diseases. Identifiers: MedGen C0950123, MeSH D030342.

Submission:

Ambry Genetics
Classification: Uncertain significance for Inborn genetic diseases. Last evaluated: 2021-02-09. Review status: criteria provided, single submitter. Criteria: Ambry Variant Classification Scheme 2023. Collection method: clinical testing. Allele origin: germline.
Comment: The c.454T>A (p.F152I) alteration is located in exon 4 (coding exon 4) of the NPC1 gene. This alteration results from a T to A substitution at nucleotide position 454, causing the phenylalanine (F) at amino acid position 152 to be replaced by an isoleucine (I). The p.F152I alteration is predicted to be deleterious by in silico analysis. Based on insufficient or conflicting evidence, the clinical significance of this alteration remains unclear.